The following is an entry in ClinVar:

ClinVar aggregate classification (germline): Uncertain significance (1 of 4 stars; one submission).

Conditions:
Combined oxidative phosphorylation defect type 14. Also called: Combined oxidative phosphorylation deficiency 14. Identifiers: Orphanet 319519, MedGen C4755312, MONDO:0013986, OMIM 614946.

Allele frequency attached by ClinVar (database versions not stated): ExAC 0.00001; gnomAD exomes 0.00001 and 0.00002.
gnomAD v4.1: 13 of 1,614,180 alleles (0.00081%); highest among the groups gnomAD compares: East Asian, 0.029%; no homozygotes.

Submission:

Labcorp Genetics (formerly Invitae), Labcorp
Classification: Uncertain significance for Combined oxidative phosphorylation defect type 14. Last evaluated: 2022-06-17. Review status: criteria provided, single submitter. Criteria: Invitae Variant Classification Sherloc (09022015). Collection method: clinical testing. Allele origin: germline.
Comment: This sequence change replaces histidine, which is basic and polar, with arginine, which is basic and polar, at codon 29 of the FARS2 protein (p.His29Arg). This variant is present in population databases (rs754644366, gnomAD 0.01%). This variant has not been reported in the literature in individuals affected with FARS2-related conditions. Advanced modeling of protein sequence and biophysical properties (such as structural, functional, and spatial information, amino acid conservation, physicochemical variation, residue mobility, and thermodynamic stability) performed at Invitae indicates that this missense variant is not expected to disrupt FARS2 protein function. In summary, the available evidence is currently insufficient to determine the role of this variant in disease. Therefore, it has been classified as a Variant of Uncertain Significance.

NM_006567.5(FARS2):c.86A>G (p.His29Arg)

Genes: FARS2 (phenylalanyl-tRNA synthetase 2, mitochondrial; plus strand), LOC126859565 (CDK7 strongly-dependent group 2 enhancer GRCh37_chr6:5368745-5369944; plus strand). Cytogenetic location: 6p25.1.
Variant type: single nucleotide variant.
Coding change: c.86A>G on transcript NM_006567.5 (MANE Select); coding-DNA position 86, A replaced by G.
Protein change: p.His29Arg; replaces histidine 29 with arginine.
Molecular consequence: missense variant. On other transcripts: intron variant (2).
Genome position (GRCh38, 1-based): chr6:5,368,656, A>G. VCF-style: chr6-5368656-A-G. GRCh37 (hg19) VCF-style: chr6-5368889-A-G.
Other names: c.86A>G, p.His29Arg (NM_001318872.2, NM_001374875.1, NM_001374876.1 and 5 more transcripts); c.-340-27977A>G (NM_001375260.1); c.-84-35886A>G (NM_001375259.1); short protein forms H29R.
Identifiers: ClinVar variation 1518462 (VCV001518462.6), dbSNP rs754644366, ClinGen allele CA3623588.